The following is an entry in ClinVar:

NM_001385875.1(ZFYVE27):c.722A>G (p.His241Arg)

Gene: ZFYVE27 (zinc finger FYVE-type containing 27; plus strand). Cytogenetic location: 10q24.2.
Variant type: single nucleotide variant.
Coding change: c.722A>G on transcript NM_001385875.1 (MANE Select); coding-DNA position 722, A replaced by G.
Protein change: p.His241Arg; replaces histidine 241 with arginine.
Molecular consequence: missense variant. On other transcripts: non-coding transcript variant (16).
Genome position (GRCh38, 1-based): chr10:97,750,388, A>G. VCF-style: chr10-97750388-A-G. GRCh37 (hg19) VCF-style: chr10-99510145-A-G.
Other names: c.722A>G, p.His241Arg (NM_001002261.4, NM_001002262.4, NM_001385871.1 and 8 more transcripts); c.626A>G, p.His209Arg (NM_001174119.2, NM_001385885.1, NM_001385886.1 and 3 more transcripts); c.464A>G, p.His155Arg (NM_001174120.2, NM_001385901.1, NM_001385902.1 and 3 more transcripts); c.428A>G, p.His143Arg (NM_001174121.2, NM_001385915.1); c.368A>G, p.His123Arg (NM_001174122.2, NM_001385918.1); c.761A>G, p.His254Arg (NM_001385876.1); c.686A>G, p.His229Arg (NM_001385881.1); c.518A>G, p.His173Arg (NM_001385890.1, NM_001385891.1, NM_001385892.1 and 6 more transcripts); and 3 more; short protein forms H241R, H130R, H229R, H143R, H162R, H123R, H155R, H173R.
Identifiers: ClinVar variation 2410597 (VCV002410597.4), dbSNP rs138203252, ClinGen allele CA5635262.

ClinVar aggregate classification (germline): Uncertain significance. Review status: criteria provided, multiple submitters, no conflicts (2 of 4 stars). 2 submissions from 2 submitters: Uncertain significance (2). Last evaluated 2025-11-26.

Conditions:
Spastic paraplegia. Identifiers: MedGen C0037772, HP:0001258.

Allele frequency attached by ClinVar (database versions not stated): ExAC 0.00002; gnomAD exomes 0.00002; gnomAD 0.00004; TOPMed 0.00005.
gnomAD v4.1: 42 of 1,614,074 alleles (0.0026%); highest among the groups gnomAD compares: Admixed American, 0.005%; no homozygotes.

Submissions (2):

Ambry Genetics
Classification: Uncertain significance. Last evaluated: 2025-11-26. Review status: criteria provided, single submitter. Criteria: Ambry Variant Classification Scheme 2023. Collection method: clinical testing. Allele origin: germline.

Labcorp Genetics (formerly Invitae), Labcorp
Classification: Uncertain significance for Spastic paraplegia. Last evaluated: 2025-04-18. Review status: criteria provided, single submitter. Criteria: Invitae Variant Classification Sherloc (09022015). Collection method: clinical testing. Allele origin: germline.
Comment: This sequence change replaces histidine, which is basic and polar, with arginine, which is basic and polar, at codon 241 of the ZFYVE27 protein (p.His241Arg). This variant is present in population databases (rs138203252, gnomAD 0.006%). This variant has not been reported in the literature in individuals affected with ZFYVE27-related conditions. ClinVar contains an entry for this variant (Variation ID: 2410597). An algorithm developed to predict the effect of missense changes on protein structure and function (PolyPhen-2) suggests that this variant is likely to be tolerated. In summary, the available evidence is currently insufficient to determine the role of this variant in disease. Therefore, it has been classified as a Variant of Uncertain Significance.